The following is an entry in ClinVar:

ClinVar aggregate classification (germline): Uncertain significance (1 of 4 stars; one submission).

Conditions:
Joubert syndrome. Also called: CEREBELLOPARENCHYMAL DISORDER IV; JOUBERT-BOLTSHAUSER SYNDROME; Familial aplasia of the vermis. Identifiers: Orphanet 475, MedGen C5979921, MONDO:0018772.

gnomAD v4.1: 1 of 1,613,876 alleles (0.000062%); highest among the groups gnomAD compares: African/African-American, 0.0013%; no homozygotes.

Submission:

Labcorp Genetics (formerly Invitae), Labcorp
Classification: Uncertain significance for Joubert syndrome. Last evaluated: 2024-02-19. Review status: criteria provided, single submitter. Criteria: Invitae Variant Classification Sherloc (09022015). Collection method: clinical testing. Allele origin: germline.
Comment: This sequence change replaces serine, which is neutral and polar, with phenylalanine, which is neutral and non-polar, at codon 362 of the AHI1 protein (p.Ser362Phe). This variant is present in population databases (rs754784786, gnomAD 0.0009%). This variant has not been reported in the literature in individuals affected with AHI1-related conditions. ClinVar contains an entry for this variant (Variation ID: 1374370). Advanced modeling of protein sequence and biophysical properties (such as structural, functional, and spatial information, amino acid conservation, physicochemical variation, residue mobility, and thermodynamic stability) has been performed at Invitae for this missense variant, however the output from this modeling did not meet the statistical confidence thresholds required to predict the impact of this variant on AHI1 protein function. In summary, the available evidence is currently insufficient to determine the role of this variant in disease. Therefore, it has been classified as a Variant of Uncertain Significance.

NM_001134831.2(AHI1):c.1085C>T (p.Ser362Phe)

Gene: AHI1 (Abelson helper integration site 1; minus strand). Cytogenetic location: 6q23.3.
Variant type: single nucleotide variant.
Coding change: c.1085C>T on transcript NM_001134831.2 (MANE Select); coding-DNA position 1085, C replaced by T.
Protein change: p.Ser362Phe; replaces serine 362 with phenylalanine.
Molecular consequence: missense variant.
Genome position (GRCh38, 1-based): chr6:135,457,560, G>A on the plus strand (C>T on the coding strand, the complement: AHI1 is on the minus strand). VCF-style: chr6-135457560-G-A. GRCh37 (hg19) VCF-style: chr6-135778698-G-A.
Other names: c.1085C>T, p.Ser362Phe (NM_001134830.2, NM_001134832.2, NM_001350503.2 and 2 more transcripts); short protein forms S362F.
Identifiers: ClinVar variation 1374370 (VCV001374370.7), dbSNP rs754784786, ClinGen allele CA4012676.